The following is an entry in ClinVar:

NM_001359.2(DECR1):c.77G>A (p.Ser26Asn)

Gene: DECR1 (2,4-dienoyl-CoA reductase 1; plus strand). Cytogenetic location: 8q21.3.
Variant type: single nucleotide variant.
Coding change: c.77G>A on transcript NM_001359.2 (MANE Select); coding-DNA position 77, G replaced by A.
Protein change: p.Ser26Asn; replaces serine 26 with asparagine.
Molecular consequence: missense variant.
Genome position (GRCh38, 1-based): chr8:90,017,131, G>A. VCF-style: chr8-90017131-G-A. GRCh37 (hg19) VCF-style: chr8-91029359-G-A.
Other names: c.50G>A, p.Ser17Asn (NM_001330575.2); short protein forms S26N, S17N.
Identifiers: ClinVar variation 534666 (VCV000534666.15), dbSNP rs145323335, ClinGen allele CA4803213.

ClinVar aggregate classification (germline): Likely benign. Review status: criteria provided, multiple submitters, no conflicts (2 of 4 stars). 3 submissions from 3 submitters: Likely benign (2). 1 of the submissions does not count toward it. Last evaluated 2021-05-12.

Conditions:
DECR1-related disorder. Also called: DECR1-related condition.
Progressive encephalopathy with leukodystrophy due to DECR deficiency. Identifiers: Orphanet 431361, MedGen C1857252, MONDO:0014464, OMIM 616034.

Allele frequency attached by ClinVar (database versions not stated): 1000 Genomes Project 0.00120; 1000 Genomes Project 30x 0.00125; gnomAD 0.00213 and 0.00224; ExAC 0.00214; gnomAD exomes 0.00221; TOPMed 0.00230; ESP Exome Variant Server 0.00285.
gnomAD v4.1: 5,312 of 1,611,594 alleles (0.33%); highest among the groups gnomAD compares: Non-Finnish European, 0.39%; 12 homozygotes.

Submissions (3):

Labcorp Genetics (formerly Invitae), Labcorp
Classification: Likely benign for Progressive encephalopathy with leukodystrophy due to DECR deficiency. Last evaluated: 2021-05-12. Review status: criteria provided, single submitter. Criteria: Invitae Variant Classification Sherloc (09022015). Collection method: clinical testing. Allele origin: germline.

Breakthrough Genomics
Classification: Likely benign. Review status: criteria provided, single submitter. Criteria: ACMG Guidelines, 2015. Collection method: not provided. Allele origin: germline. Inheritance: Unknown mechanism. Affected: yes.

PreventionGenetics, part of Exact Sciences
Classification: Benign for DECR1-related condition. Last evaluated: 2019-08-17. Review status: no assertion criteria provided. Collection method: clinical testing. Allele origin: germline. Not counted in ClinVar's aggregate classification.
Comment: This variant is classified as benign based on ACMG/AMP sequence variant interpretation guidelines (Richards et al. 2015 PMID: 25741868, with internal and published modifications).